The following is an entry in ClinVar:

NM_152703.5(SAMD9L):c.2459C>T (p.Ser820Phe)

Gene: SAMD9L (sterile alpha motif domain containing 9 like; minus strand). Cytogenetic location: 7q21.2.
Variant type: single nucleotide variant.
Coding change: c.2459C>T on transcript NM_152703.5 (MANE Select); coding-DNA position 2459, C replaced by T.
Protein change: p.Ser820Phe; replaces serine 820 with phenylalanine.
Molecular consequence: missense variant.
Genome position (GRCh38, 1-based): chr7:93,133,513, G>A on the plus strand (C>T on the coding strand, the complement: SAMD9L is on the minus strand). VCF-style: chr7-93133513-G-A. GRCh37 (hg19) VCF-style: chr7-92762826-G-A.
Other names: c.2459C>T, p.Ser820Phe (NM_001303496.3, NM_001303497.3, NM_001303498.3 and 5 more transcripts); short protein forms S820F.
Identifiers: ClinVar variation 2860449 (VCV002860449.3), dbSNP rs2535420222, ClinGen allele CA368187627.
Genomic context (GRCh38, chr7:93,133,513, plus strand): 5'-ATGCAGTTTAAGATAATTACCAATGTTTTTTCATATCGCAAATCCTTTTCTGCTAAAACG[G>A]AATGGATGGCATTTTGTAGAAAGTAGACATTTTCTTGTTCTTCAAAATCATCCACAAGGA-3'
Protein context (NP_689916.2, residues 810-830): NVYFLQNAIH[Ser820Phe]VLAEKDLRYE

ClinVar aggregate classification (germline): Uncertain significance (1 of 4 stars; one submission).

Submission:

Labcorp Genetics (formerly Invitae), Labcorp
Classification: Uncertain significance. Last evaluated: 2023-05-11. Review status: criteria provided, single submitter. Criteria: Invitae Variant Classification Sherloc (09022015). Collection method: clinical testing. Allele origin: germline.
Comment: In summary, the available evidence is currently insufficient to determine the role of this variant in disease. Therefore, it has been classified as a Variant of Uncertain Significance. Advanced modeling of protein sequence and biophysical properties (such as structural, functional, and spatial information, amino acid conservation, physicochemical variation, residue mobility, and thermodynamic stability) performed at Invitae indicates that this missense variant is not expected to disrupt SAMD9L protein function. This variant has not been reported in the literature in individuals affected with SAMD9L-related conditions. This variant is not present in population databases (gnomAD no frequency). This sequence change replaces serine, which is neutral and polar, with phenylalanine, which is neutral and non-polar, at codon 820 of the SAMD9L protein (p.Ser820Phe).